The following is an entry in ClinVar:

NM_014000.3(VCL):c.1490T>C (p.Ile497Thr)

Gene: VCL (vinculin; plus strand). Cytogenetic location: 10q22.2.
Variant type: single nucleotide variant.
Coding change: c.1490T>C on transcript NM_014000.3 (MANE Select); coding-DNA position 1490, T replaced by C.
Protein change: p.Ile497Thr; replaces isoleucine 497 with threonine.
Molecular consequence: missense variant.
Genome position (GRCh38, 1-based): chr10:74,094,408, T>C. VCF-style: chr10-74094408-T-C. GRCh37 (hg19) VCF-style: chr10-75854166-T-C.
Other names: c.1490T>C, p.Ile497Thr (NM_003373.4); short protein forms I497T.
Identifiers: ClinVar variation 505024 (VCV000505024.28), dbSNP rs572757800, ClinGen allele CA5563014.

ClinVar aggregate classification (germline): Conflicting classifications of pathogenicity. Review status: criteria provided, conflicting classifications (1 of 4 stars). 10 submissions from 10 submitters: Uncertain significance (8); Likely benign (1). 1 of the submissions does not count toward it. Last evaluated 2026-08-17.

Conditions:
Cardiomyopathy (CMYO). Also called: Cardiomyopathies. Identifiers: Orphanet 167848, MedGen C0878544, MONDO:0004994, HP:0001638. Inheritance: Various modes of inheritance.
Congestive heart failure. Identifiers: MedGen C0018802, MONDO:0005009, HP:0001635.
Cardiovascular phenotype. Identifiers: MedGen CN230736.
Dilated cardiomyopathy 1W (CMD1W). Identifiers: Orphanet 154, MedGen C1969639, MONDO:0012667, OMIM 611407.
Hypertrophic cardiomyopathy 15. Identifiers: MedGen C2750459, MONDO:0013200, OMIM 613255.

Allele frequency attached by ClinVar (database versions not stated): TOPMed 0.00007; 1000 Genomes Project 0.00040; ExAC 0.00004; gnomAD 0.00009 and 0.00008; 1000 Genomes Project 30x 0.00062; gnomAD exomes 0.00002.
gnomAD v4.1: 38 of 1,614,092 alleles (0.0024%); highest among the groups gnomAD compares: African/African-American, 0.023%; no homozygotes.

Submissions (10):

GeneDx
Classification: Uncertain significance. Last evaluated: 2026-08-17. Review status: criteria provided, single submitter. Criteria: GeneDx Variant Classification Process June 2021. Collection method: clinical testing. Allele origin: germline.
Comment: Reported in association with LVNC in published literature; however, detailed clinical information was not provided (PMID: 33500567); In silico analysis supports that this missense variant has a deleterious effect on protein structure/function; This variant is associated with the following publications: (PMID: 33500567)

Ambry Genetics
Classification: Uncertain significance for Cardiovascular phenotype. Last evaluated: 2026-01-13. Review status: criteria provided, single submitter. Criteria: Ambry Variant Classification Scheme 2023. Collection method: clinical testing. Allele origin: germline.
Comment: The p.I497T variant (also known as c.1490T>C), located in coding exon 11 of the VCL gene, results from a T to C substitution at nucleotide position 1490. The isoleucine at codon 497 is replaced by threonine, an amino acid with similar properties. This variant was reported in individual(s) with features consistent with dilated cardiomyopathy (DCM) (Mazzarotto F et al. Circulation, 2020 Feb;141:387-398). This amino acid position is well conserved in available vertebrate species. In addition, the in silico prediction for this alteration is inconclusive. Based on the available evidence, the clinical significance of this variant remains unclear.

Women's Health and Genetics/Laboratory Corporation of America, LabCorp
Classification: Likely benign. Last evaluated: 2026-01-12. Review status: criteria provided, single submitter. Criteria: LabCorp Variant Classification Summary - May 2015. Collection method: clinical testing. Allele origin: germline.
Comment: Variant summary: VCL c.1490T>C (p.Ile497Thr) results in a non-conservative amino acid change in the encoded protein sequence. Algorithms developed to predict the effect of missense changes on protein structure and function are either unavailable or do not agree on the potential impact of this missense change. The variant allele was found at a frequency of 2.4e-05 in 1614092 control chromosomes, predominantly at a frequency of 0.00023 within the African or African-American subpopulation in the gnomAD database. The observed variant frequency within African or African-American control individuals in the gnomAD database exceeds the estimated maximal expected allele frequency for disease-causing variants in VCL. c.1490T>C has been observed in individual(s) affected with left ventricular noncompaction (example, Mazzarotto_2021). These report(s) do not provide unequivocal conclusions about association of the variant with VCL-related conditions. To our knowledge, no experimental evidence demonstrating an impact on protein function has been reported. The following publication has been ascertained in the context of this evaluation (PMID: 33500567). ClinVar contains an entry for this variant (Variation ID: 505024). Based on the evidence outlined above, the variant was classified as likely benign.

Labcorp Genetics (formerly Invitae), Labcorp
Classification: Uncertain significance for Dilated cardiomyopathy 1W. Last evaluated: 2024-12-02. Review status: criteria provided, single submitter. Criteria: Invitae Variant Classification Sherloc (09022015). Collection method: clinical testing. Allele origin: germline.
Comment: This sequence change replaces isoleucine, which is neutral and non-polar, with threonine, which is neutral and polar, at codon 497 of the VCL protein (p.Ile497Thr). This variant is present in population databases (rs572757800, gnomAD 0.02%). This missense change has been observed in individual(s) with clinical features of VCL-related conditions (PMID: 33500567). ClinVar contains an entry for this variant (Variation ID: 505024). An algorithm developed to predict the effect of missense changes on protein structure and function (PolyPhen-2) suggests that this variant¬†is likely to be tolerated. In summary, the available evidence is currently insufficient to determine the role of this variant in disease. Therefore, it has been classified as a Variant of Uncertain Significance.

New York Genome Center
Classification: Uncertain significance for Dilated cardiomyopathy 1W; Hypertrophic cardiomyopathy 15. Last evaluated: 2022-12-05. Review status: criteria provided, single submitter. Criteria: NYGC Assertion Criteria 2020. Collection method: clinical testing. Allele origin: germline. Observed: 1 heterozygote.
Comment: The heterozygous c.1490T>C p.(Ile497Thr) variant in the VCL gene has previously been reported in an individual with left ventricular noncompaction [PMID:33500567] and it has been deposited in ClinVar [ClinVar ID: 505024] as Variant of Uncertain Significance. The c.1490T>C variant is observed in 34 alleles(~0.006% minor allele frequency with 0 homozygotes) in population databases (gnomAD v2.1.1 and v3.1.2, TOPMed Freeze 8), suggesting it is not a common benignvariant in the populations represented in those databases. The c.1490T>C variant in VCL is located in exon 11 of this 22-exon gene, and predicted to replace an evolutionarily conserved isoleucine amino acid with threonine at position 497 of the encoded protein. In silico predictions are inconclusive of the variant's effect[(CADD v1.6 = 24.8, REVEL = 0.581)]; however, there are no functional studies to support or refute these predictions. Based on available evidence this c.1490T>Cp.(Ile497Thr) variant identified in VCL is classified as a Variant of Uncertain Significance.

CHEO Genetics Diagnostic Laboratory, Children's Hospital of Eastern Ontario
Classification: Uncertain significance for Cardiomyopathy. Last evaluated: 2022-07-18. Review status: criteria provided, single submitter. Criteria: ACMG Guidelines, 2015. Collection method: clinical testing. Allele origin: germline.

Fulgent Genetics
Classification: Uncertain significance for Dilated cardiomyopathy 1W; Hypertrophic cardiomyopathy 15. Last evaluated: 2021-08-12. Review status: criteria provided, single submitter. Criteria: ACMG Guidelines, 2015. Collection method: clinical testing. Allele origin: unknown.

Laboratory for Molecular Medicine, Mass General Brigham Personalized Medicine
Classification: Uncertain significance. Last evaluated: 2016-05-27. Review status: criteria provided, single submitter. Criteria: LMM Criteria. Collection method: clinical testing. Allele origin: germline. Observed: 1 variant allele.
Comment: The p.Ile497Thr variant in VCL has not been previously reported in individuals w ith cardiomyopathy, but has been identified in 4/10184 African chromosomes by th e Exome Aggregation Consortium (ExAC; dbSNP rs57 2757800). Computational prediction tools and conservation analysis do not provid e strong support for or against an impact to the protein. In summary, the clinic al significance of the p.Ile497Thr variant is uncertain.

Center for Genomics, Ann and Robert H. Lurie Children's Hospital of Chicago
Classification: Uncertain significance for Dilated cardiomyopathy 1W; Hypertrophic cardiomyopathy 15. Review status: criteria provided, single submitter. Criteria: ACMG Guidelines, 2015. Collection method: clinical testing. Allele origin: germline.
Comment: VCL NM_014000.2 exon 11 p.Ile497Thr (c.1490T>C): This variant has not been reported in the literature but is present in 0.02% (6/24938) of African alleles in the Genome Aggregation Database. This variant is present in ClinVar (Variation ID:505024). Evolutionary conservation and computational predictive tools for this variant are unclear. In summary, data on this variant is insufficient for disease classification. Therefore, the clinical significance of this variant is uncertain.

Clinical Molecular Genetics Laboratory, Johns Hopkins All Children's Hospital
Classification: Uncertain significance for Congestive heart failure. Last evaluated: 2016-03-24. Review status: no assertion criteria provided. Collection method: clinical testing. Allele origin: germline. Affected: yes. Not counted in ClinVar's aggregate classification.

Literature cited by the submitters: PubMed 31983221 (cited by Ambry Genetics); PubMed 33500567 (cited by Women's Health and Genetics/Laboratory Corporation of America, LabCorp and Labcorp Genetics (formerly Invitae), Labcorp).